The following is an entry in ClinVar:

ClinVar aggregate classification (germline): Uncertain significance (1 of 4 stars; one submission).

Conditions:
Hereditary sensory and autonomic neuropathy type 6. Also called: HSAN VI; Neuropathy, hereditary sensory and autonomic, type VI. Identifiers: Orphanet 314381, MedGen C3539003, MONDO:0013839, OMIM 614653.
Epidermolysis bullosa simplex 3, localized or generalized intermediate, with BP230 deficiency (EBS3). Also called: Epidermolysis bullosa simplex, autosomal recessive 2; Epidermolysis bullosa simplex due to BP230 deficiency. Identifiers: Orphanet 412181, MedGen C3809470, MONDO:0014180, OMIM 615425.

Submission:

Labcorp Genetics (formerly Invitae), Labcorp
Classification: Uncertain significance for Epidermolysis bullosa simplex 3, localized or generalized intermediate, with BP230 deficiency; Hereditary sensory and autonomic neuropathy type 6. Last evaluated: 2023-03-04. Review status: criteria provided, single submitter. Criteria: Invitae Variant Classification Sherloc (09022015). Collection method: clinical testing. Allele origin: germline.
Comment: Experimental studies and prediction algorithms are not available or were not evaluated, and the functional significance of this variant is currently unknown. The DST gene has multiple clinically relevant transcripts. This variant occurs in alternate transcript NM_015548.4, and corresponds to NM_001723.5:c.*117480T>A in the primary transcript. This sequence change replaces valine, which is neutral and non-polar, with glutamic acid, which is acidic and polar, at codon 4015 of the DST protein (p.Val4015Glu). This variant is not present in population databases (gnomAD no frequency). This variant has not been reported in the literature in individuals affected with DST-related conditions. In summary, the available evidence is currently insufficient to determine the role of this variant in disease. Therefore, it has been classified as a Variant of Uncertain Significance.

NM_001374736.1(DST):c.19913T>A (p.Val6638Glu)

Gene: DST (dystonin; minus strand). Cytogenetic location: 6p12.1.
Variant type: single nucleotide variant.
Coding change: c.19913T>A on transcript NM_001374736.1 (MANE Select); coding-DNA position 19913, T replaced by A.
Protein change: p.Val6638Glu; replaces valine 6638 with glutamic acid.
Molecular consequence: missense variant.
Genome position (GRCh38, 1-based): chr6:56,498,037, A>T on the plus strand (T>A on the coding strand, the complement: DST is on the minus strand). VCF-style: chr6-56498037-A-T. GRCh37 (hg19) VCF-style: chr6-56362835-A-T.
Other names: c.13556T>A, p.Val4519Glu (NM_001144769.5); c.13142T>A, p.Val4381Glu (NM_001144770.2); c.19913T>A, p.Val6638Glu (NM_001374722.1); c.18953T>A, p.Val6318Glu (NM_001374729.1); c.12695T>A, p.Val4232Glu (NM_001374730.1); c.19940T>A, p.Val6647Glu (NM_001374734.1); c.13022T>A, p.Val4341Glu (NM_001386100.1, NM_183380.4); c.12044T>A, p.Val4015Glu (NM_015548.5); short protein forms V4232E, V4519E, V4015E, V4381E, V6318E, V4341E, V6638E, V6647E.
Identifiers: ClinVar variation 2933915 (VCV002933915.3), dbSNP rs2534076623, ClinGen allele CA364519691.